The following is an entry in ClinVar:

NM_021076.4(NEFH):c.1815G>A (p.Lys605=)

Gene: NEFH (neurofilament heavy chain; plus strand). Cytogenetic location: 22q12.2.
Variant type: single nucleotide variant.
Coding change: c.1815G>A on transcript NM_021076.4 (MANE Select); coding-DNA position 1815, G replaced by A.
Protein change: p.Lys605=; no amino-acid change (lysine 605 retained).
Molecular consequence: synonymous variant.
Genome position (GRCh38, 1-based): chr22:29,489,455, G>A. VCF-style: chr22-29489455-G-A. GRCh37 (hg19) VCF-style: chr22-29885444-G-A.
Identifiers: ClinVar variation 2653050 (VCV002653050.27), dbSNP rs946801867, ClinGen allele CA323088068.
Genomic context (GRCh38, chr22:29,489,455, plus strand): 5'-GTCCCCAGCAAAGGAAGAGGCAAAGTCACCGGCTGAGGCCAAGTCTCCAGAGAAGGCCAA[G>A]TCCCCAGTGAAGGAAGAAGCAAAGTCACCGGCTGAGGCCAAGTCCCCAGTGAAGGAAGAA-3'
Protein context (NP_066554.2, residues 595-615): PAEAKSPEKA[Lys605=]SPVKEEAKSP

ClinVar aggregate classification (germline): Likely benign. Review status: criteria provided, multiple submitters, no conflicts (2 of 4 stars). 2 submissions from 2 submitters: Likely benign (2). Last evaluated 2024-09-27.

Allele frequency attached by ClinVar (database versions not stated): gnomAD 0.00001; gnomAD exomes 0.00001; TOPMed 0.00001.
gnomAD v4.1: 22 of 1,586,772 alleles (0.0014%); highest among the groups gnomAD compares: Non-Finnish European, 0.0018%; no homozygotes.

Submissions (2):

Labcorp Genetics (formerly Invitae), Labcorp
Classification: Likely benign. Last evaluated: 2024-09-27. Review status: criteria provided, single submitter. Criteria: Invitae Variant Classification Sherloc (09022015). Collection method: clinical testing. Allele origin: germline.

CeGaT Center for Human Genetics Tuebingen
Classification: Likely benign. Last evaluated: 2023-08-01. Review status: criteria provided, single submitter. Criteria: CeGaT Center For Human Genetics Tuebingen Variant Classification Criteria Version 2. Collection method: clinical testing. Allele origin: germline. Affected: yes. Observed: 1 variant allele.
Comment: NEFH: BP4, BP7